The following is an entry in ClinVar:

NM_001382391.1(CSPP1):c.1325A>G (p.His442Arg)

Gene: CSPP1 (centrosome and spindle pole associated protein 1; plus strand). Cytogenetic location: 8q13.2.
Variant type: single nucleotide variant.
Coding change: c.1325A>G on transcript NM_001382391.1 (MANE Select); coding-DNA position 1325, A replaced by G.
Protein change: p.His442Arg; replaces histidine 442 with arginine.
Molecular consequence: missense variant.
Genome position (GRCh38, 1-based): chr8:67,115,951, A>G. VCF-style: chr8-67115951-A-G. GRCh37 (hg19) VCF-style: chr8-68028186-A-G.
Other names: c.428A>G, p.His143Arg (NM_001291339.2); c.1244A>G, p.His415Arg (NM_001363131.2); c.1283A>G, p.His428Arg (NM_001363132.2); c.1202A>G, p.His401Arg (NM_001363133.2); c.1391A>G, p.His464Arg (NM_001364869.1); c.1211A>G, p.His404Arg (NM_001364870.1); c.1310A>G, p.His437Arg (NM_024790.7); short protein forms H401R, H437R, H464R, H415R, H428R, H442R, H143R, H404R.
Identifiers: ClinVar variation 939218 (VCV000939218.10), dbSNP rs373927950, ClinGen allele CA4770520.

ClinVar aggregate classification (germline): Uncertain significance. Review status: criteria provided, multiple submitters, no conflicts (2 of 4 stars). 2 submissions from 2 submitters: Uncertain significance (2). Last evaluated 2024-05-16.

Conditions:
Joubert syndrome 21 (JBTS21). Identifiers: MedGen C3810212, MONDO:0014288, OMIM 615636.

Allele frequency attached by ClinVar (database versions not stated): gnomAD exomes 0.00001 and 0.00002; ExAC 0.00002; ESP Exome Variant Server 0.00008; TOPMed 0.00009; gnomAD 0.00012; 1000 Genomes Project 30x 0.00016; 1000 Genomes Project 0.00020.

Submissions (2):

Blueprint Genetics
Classification: Uncertain significance. Last evaluated: 2024-05-16. Review status: criteria provided, single submitter. Criteria: ACMG Guidelines, 2015. Collection method: clinical testing. Allele origin: germline.

Labcorp Genetics (formerly Invitae), Labcorp
Classification: Uncertain significance for Joubert syndrome 21. Last evaluated: 2022-08-16. Review status: criteria provided, single submitter. Criteria: Invitae Variant Classification Sherloc (09022015). Collection method: clinical testing. Allele origin: germline.
Comment: In summary, the available evidence is currently insufficient to determine the role of this variant in disease. Therefore, it has been classified as a Variant of Uncertain Significance. Algorithms developed to predict the effect of missense changes on protein structure and function (SIFT, PolyPhen-2, Align-GVGD) all suggest that this variant is likely to be tolerated. ClinVar contains an entry for this variant (Variation ID: 939218). This variant has not been reported in the literature in individuals affected with CSPP1-related conditions. This variant is present in population databases (rs373927950, gnomAD 0.05%). This sequence change replaces histidine, which is basic and polar, with arginine, which is basic and polar, at codon 437 of the CSPP1 protein (p.His437Arg).